The following is an entry in ClinVar:

NM_000138.5(FBN1):c.3349T>C (p.Cys1117Arg)

Gene: FBN1 (fibrillin 1; minus strand). Cytogenetic location: 15q21.1.
Variant type: single nucleotide variant.
Coding change: c.3349T>C on transcript NM_000138.5 (MANE Select); coding-DNA position 3349, T replaced by C.
Protein change: p.Cys1117Arg; replaces cysteine 1117 with arginine.
Molecular consequence: missense variant.
Genome position (GRCh38, 1-based): chr15:48,487,426, A>G on the plus strand (T>C on the coding strand, the complement: FBN1 is on the minus strand). VCF-style: chr15-48487426-A-G. GRCh37 (hg19) VCF-style: chr15-48779623-A-G.
Other names: c.3349T>C (NM_000138.4); short protein forms C1117R.
Identifiers: ClinVar variation 1390245 (VCV001390245.9), dbSNP rs2141293770, ClinGen allele CA392326766.
Genomic context (GRCh38, chr15:48,487,426, plus strand): 5'-GGTAACTTCCCTCTGTGTTATGGCAAACACCACCTCGGCATAGGAGAGGATCTCTCTGAC[A>G]CTCATCAATATCTGCAAAATGGAAATGACCATGTTAAAGGTGGGGGCCTCATCTCCTCCA-3'
Protein context (NP_000129.3, residues 1107-1127): MMKNCMDIDE[Cys1117Arg]QRDPLLCRGG

ClinVar aggregate classification (germline): Pathogenic. Review status: criteria provided, multiple submitters, no conflicts (2 of 4 stars). 2 submissions from 2 submitters: Pathogenic (2). Last evaluated 2022-07-05.

Conditions:
Familial thoracic aortic aneurysm and aortic dissection (TAAD). Also called: Thoracic aortic aneurysms and dissections. Identifiers: Orphanet 91387, MedGen C4707243, MONDO:0019625.
Marfan syndrome (MFS). Also called: Marfan syndrome, classic; MARFAN SYNDROME, TYPE I; FBN1-Related Marfan Syndrome; Marfan syndrome type 1; Marfan's syndrome. Identifiers: Orphanet 284963, Orphanet 558, MedGen C0024796, MONDO:0007947, OMIM 154700.

Submissions (2):

Labcorp Genetics (formerly Invitae), Labcorp
Classification: Pathogenic for Marfan syndrome; Familial thoracic aortic aneurysm and aortic dissection. Last evaluated: 2022-07-05. Review status: criteria provided, single submitter. Criteria: Invitae Variant Classification Sherloc (09022015). Collection method: clinical testing. Allele origin: germline.
Comment: For these reasons, this variant has been classified as Pathogenic. This variant disrupts the p.Cys1117 amino acid residue in FBN1. Other variant(s) that disrupt this residue have been observed in individuals with FBN1-related conditions (PMID: 8281141, 8882780), which suggests that this may be a clinically significant amino acid residue. This variant affects a cysteine residue in the EGF-like, TGFBP or hybrid motif domains of FBN1. Cysteine residues are believed to be involved in intramolecular disulfide bridges and have been shown to be important for FBN1 protein structure (PMID: 16905551, 19349279). In addition, missense substitutions affecting cysteine residues within these domains are significantly overrepresented among patients with Marfan syndrome (PMID: 16571647, 17701892). Advanced modeling of protein sequence and biophysical properties (such as structural, functional, and spatial information, amino acid conservation, physicochemical variation, residue mobility, and thermodynamic stability) performed at Invitae indicates that this missense variant is expected to disrupt FBN1 protein function. ClinVar contains an entry for this variant (Variation ID: 1390245). This missense change has been observed in individual(s) with FBN1-related conditions (PMID: 21135753, 22772377, 31098894). This variant is not present in population databases (gnomAD no frequency). This sequence change replaces cysteine, which is neutral and slightly polar, with arginine, which is basic and polar, at codon 1117 of the FBN1 protein (p.Cys1117Arg).

Clinical Genetics Service, Universitary Hospital 12 de Octubre
Classification: Pathogenic for Marfan syndrome. Review status: criteria provided, single submitter. Criteria: ACMG Guidelines, 2015. Collection method: clinical testing. Allele origin: de novo. Affected: yes.

Literature cited by the submitters: PubMed 8281141 (cited by Labcorp Genetics (formerly Invitae), Labcorp); PubMed 8882780 (cited by Labcorp Genetics (formerly Invitae), Labcorp); PubMed 16905551 (cited by Labcorp Genetics (formerly Invitae), Labcorp); PubMed 19349279 (cited by Labcorp Genetics (formerly Invitae), Labcorp); PubMed 16571647 (cited by Labcorp Genetics (formerly Invitae), Labcorp); PubMed 17701892 (cited by Labcorp Genetics (formerly Invitae), Labcorp); PubMed 21135753 (cited by Labcorp Genetics (formerly Invitae), Labcorp); PubMed 22772377 (cited by Labcorp Genetics (formerly Invitae), Labcorp); PubMed 31098894 (cited by Labcorp Genetics (formerly Invitae), Labcorp).